The following is an entry in ClinVar:

ClinVar aggregate classification (germline): Uncertain significance (1 of 4 stars; one submission).

Submission:

GeneDx
Classification: Uncertain significance. Last evaluated: 2024-11-11. Review status: criteria provided, single submitter. Criteria: GeneDx Variant Classification Process June 2021. Collection method: clinical testing. Allele origin: germline. Affected: yes.
Comment: Not observed at significant frequency in large population cohorts (gnomAD); In silico analysis supports that this missense variant has a deleterious effect on protein structure/function; Has not been previously published as pathogenic or benign to our knowledge

NM_001145358.2(SIN3A):c.1789T>G (p.Phe597Val)

Gene: SIN3A (SIN3 transcription regulator family member A; minus strand). Cytogenetic location: 15q24.2.
Variant type: single nucleotide variant.
Coding change: c.1789T>G on transcript NM_001145358.2 (MANE Select); coding-DNA position 1789, T replaced by G.
Protein change: p.Phe597Val; replaces phenylalanine 597 with valine.
Molecular consequence: missense variant.
Genome position (GRCh38, 1-based): chr15:75,400,105, A>C on the plus strand (T>G on the coding strand, the complement: SIN3A is on the minus strand). VCF-style: chr15-75400105-A-C. GRCh37 (hg19) VCF-style: chr15-75692446-A-C.
Other names: c.1789T>G, p.Phe597Val (NM_001145357.2, NM_015477.3); short protein forms F597V.
Identifiers: ClinVar variation 3898764 (VCV003898764.1).